The following is an entry in ClinVar:

ClinVar aggregate classification (germline): Uncertain significance. Review status: criteria provided, multiple submitters, no conflicts (2 of 4 stars). 2 submissions from 2 submitters: Uncertain significance (2). Last evaluated 2025-12-15.

Allele frequency attached by ClinVar (database versions not stated): TOPMed 0.00001; ExAC 0.00002; gnomAD 0.00002; gnomAD exomes 0.00002.
gnomAD v4.1: 19 of 1,613,410 alleles (0.0012%); highest among the groups gnomAD compares: Admixed American, 0.0033%; no homozygotes.

Submissions (2):

Labcorp Genetics (formerly Invitae), Labcorp
Classification: Uncertain significance. Last evaluated: 2025-12-15. Review status: criteria provided, single submitter. Criteria: Invitae Variant Classification Sherloc (09022015). Collection method: clinical testing. Allele origin: germline.
Comment: This sequence change replaces isoleucine, which is neutral and non-polar, with valine, which is neutral and non-polar, at codon 583 of the TAB2 protein (p.Ile583Val). This variant is present in population databases (rs202240545, gnomAD 0.01%). This variant has not been reported in the literature in individuals affected with TAB2-related conditions. ClinVar contains an entry for this variant (Variation ID: 917723). Invitae Evidence Modeling of protein sequence and biophysical properties (such as structural, functional, and spatial information, amino acid conservation, physicochemical variation, residue mobility, and thermodynamic stability) indicates that this missense variant is not expected to disrupt TAB2 protein function with a negative predictive value of 80%. In summary, the available evidence is currently insufficient to determine the role of this variant in disease. Therefore, it has been classified as a Variant of Uncertain Significance.

Women's Health and Genetics/Laboratory Corporation of America, LabCorp
Classification: Uncertain significance. Last evaluated: 2021-04-02. Review status: criteria provided, single submitter. Criteria: LabCorp Variant Classification Summary - May 2015. Collection method: clinical testing. Allele origin: germline.
Comment: Variant summary: TAB2 c.1747A>G (p.Ile583Val) results in a conservative amino acid change in the encoded protein sequence. Five of five in-silico tools predict a benign effect of the variant on protein function. The variant allele was found at a frequency of 2.4e-05 in 250674 control chromosomes (gnomAD). The available data on variant occurrences in the general population are insufficient to allow any conclusion about variant significance. To our knowledge, no occurrence of c.1747A>G in individuals affected with Congenital Heart Defects, Multiple Types, 2 and no experimental evidence demonstrating its impact on protein function have been reported. No clinical diagnostic laboratories have submitted clinical-significance assessments for this variant to ClinVar after 2014. Based on the evidence outlined above, the variant was classified as uncertain significance.

NM_001292034.3(TAB2):c.1747A>G (p.Ile583Val)

Gene: TAB2 (TGF-beta activated kinase 1 (MAP3K7) binding protein 2; plus strand). Cytogenetic location: 6q25.1.
Variant type: single nucleotide variant.
Coding change: c.1747A>G on transcript NM_001292034.3 (MANE Select); coding-DNA position 1747, A replaced by G.
Protein change: p.Ile583Val; replaces isoleucine 583 with valine.
Molecular consequence: missense variant.
Genome position (GRCh38, 1-based): chr6:149,397,747, A>G. VCF-style: chr6-149397747-A-G. GRCh37 (hg19) VCF-style: chr6-149718883-A-G.
Other names: c.1651A>G, p.Ile551Val (NM_001292035.3); c.1747A>G, p.Ile583Val (NM_001369506.1, NM_015093.6); short protein forms I583V, I551V.
Identifiers: ClinVar variation 917723 (VCV000917723.6), dbSNP rs202240545, ClinGen allele CA4041599.